The following is an entry in ClinVar:

NM_000245.4(MET):c.1168_1169delinsGC (p.Tyr390Ala)

Gene: MET (MET proto-oncogene, receptor tyrosine kinase; plus strand). Cytogenetic location: 7q31.2.
Variant type: Indel.
Coding change: c.1168_1169delinsGC on transcript NM_000245.4 (MANE Select); coding-DNA positions 1168 to 1169, TA replaced by GC.
Protein change: p.Tyr390Ala; replaces tyrosine 390 with alanine.
Molecular consequence: missense variant. On other transcripts: intron variant (1).
Genome position (GRCh38, 1-based): chr7:116,700,252-116,700,253, TA replaced by GC. VCF-style: chr7-116700252-TA-GC. GRCh37 (hg19) VCF-style: chr7-116340306-TA-GC.
Other names: c.1168_1169delinsGC, p.Tyr390Ala (NM_001127500.3, NM_001324401.3); c.-91+27675_-91+27676delinsGC (NM_001324402.2); short protein forms Y390A.
Identifiers: ClinVar variation 4053931 (VCV004053931.1).

ClinVar aggregate classification (germline): Uncertain significance (1 of 4 stars; one submission).

Conditions:
Hereditary cancer-predisposing syndrome. Also called: Neoplastic Syndromes, Hereditary; Tumor predisposition; Hereditary neoplastic syndrome; Hereditary Cancer Syndrome. Identifiers: Orphanet 140162, MedGen C0027672, MeSH D009386, MONDO:0015356.

Submission:

Ambry Genetics
Classification: Uncertain significance for Hereditary cancer-predisposing syndrome. Last evaluated: 2025-04-23. Review status: criteria provided, single submitter. Criteria: Ambry Variant Classification Scheme 2023. Collection method: clinical testing. Allele origin: germline.
Comment: The c.1168_1169delTAinsGC variant (also known as p.Y390A), located in coding exon 1 of the MET gene, results from an in-frame deletion of TA and insertion of GC at nucleotide positions 1168 to 1169. This results in the substitution of the tyrosine residue for an alanine residue at codon 390, an amino acid with dissimilar properties. This amino acid position is well conserved in available vertebrate species. Based on the available evidence, the clinical significance of this variant remains unclear.